The following is an entry in ClinVar:

ClinVar aggregate classification (germline): Uncertain significance. Review status: criteria provided, multiple submitters, no conflicts (2 of 4 stars). 2 submissions from 2 submitters: Uncertain significance (2). Last evaluated 2024-03-05.

Conditions:
Hypertrophic cardiomyopathy. Also called: HYPERTROPHIC MYOCARDIOPATHY. Identifiers: Orphanet 217569, MedGen C0007194, MeSH D002312, MONDO:0005045, HP:0001639.
Lethal congenital glycogen storage disease of heart. Also called: GLYCOGEN STORAGE DISEASE OF HEART; PHOSPHORYLASE KINASE DEFICIENCY OF HEART. Identifiers: Orphanet 439854, MedGen C1849813, MONDO:0009867, OMIM 261740.

Submissions (2):

All of Us Research Program, National Institutes of Health
Classification: Uncertain significance for Hypertrophic cardiomyopathy. Last evaluated: 2024-03-05. Review status: criteria provided, single submitter. Criteria: ACMG Guidelines, 2015. Collection method: clinical testing. Allele origin: germline. Inheritance: Autosomal dominant inheritance. Observed: 1 variant allele, 1 heterozygote.
Comment: This study involves interpretation of variants in research participants for the purpose of population health screening. Participant phenotype was not available at the time of variant classification. Additional details can be found in publication PMID: 35346344, PMCID: PMC8962531

Labcorp Genetics (formerly Invitae), Labcorp
Classification: Uncertain significance for Lethal congenital glycogen storage disease of heart. Last evaluated: 2022-03-02. Review status: criteria provided, single submitter. Criteria: Invitae Variant Classification Sherloc (09022015). Collection method: clinical testing. Allele origin: germline.
Comment: In summary, the available evidence is currently insufficient to determine the role of this variant in disease. Therefore, it has been classified as a Variant of Uncertain Significance. Advanced modeling of protein sequence and biophysical properties (such as structural, functional, and spatial information, amino acid conservation, physicochemical variation, residue mobility, and thermodynamic stability) performed at Invitae indicates that this missense variant is not expected to disrupt PRKAG2 protein function. This variant has not been reported in the literature in individuals affected with PRKAG2-related conditions. This variant is not present in population databases (gnomAD no frequency). This sequence change replaces valine, which is neutral and non-polar, with alanine, which is neutral and non-polar, at codon 105 of the PRKAG2 protein (p.Val105Ala).

NM_016203.4(PRKAG2):c.314T>C (p.Val105Ala)

Gene: PRKAG2 (protein kinase AMP-activated non-catalytic subunit gamma 2; minus strand). Cytogenetic location: 7q36.1.
Variant type: single nucleotide variant.
Coding change: c.314T>C on transcript NM_016203.4 (MANE Select); coding-DNA position 314, T replaced by C.
Protein change: p.Val105Ala; replaces valine 105 with alanine.
Molecular consequence: missense variant.
Genome position (GRCh38, 1-based): chr7:151,781,304, A>G on the plus strand (T>C on the coding strand, the complement: PRKAG2 is on the minus strand). VCF-style: chr7-151781304-A-G. GRCh37 (hg19) VCF-style: chr7-151478390-A-G.
Other names: c.182T>C, p.Val61Ala (NM_001040633.2, NM_001407024.1, NM_001407026.1 and 2 more transcripts); c.314T>C, p.Val105Ala (NM_001407021.1, NM_001407022.1, NM_001407023.1 and 2 more transcripts); short protein forms V61A, V105A.
Identifiers: ClinVar variation 2037771 (VCV002037771.5), dbSNP rs750721831, ClinGen allele CA370069692.